The following is an entry in ClinVar:

ClinVar aggregate classification (germline): Benign/Likely benign. Review status: criteria provided, multiple submitters, no conflicts (2 of 4 stars). 5 submissions from 5 submitters: Benign (4); Likely benign (1). Last evaluated 2026-02-04.

Conditions:
Singleton-Merten syndrome 2 (SGMRT2). Identifiers: Orphanet 85191, MedGen C4225380, MONDO:0014575, OMIM 616298.

Allele frequency attached by ClinVar (database versions not stated): 1000 Genomes Project 30x 0.05575; 1000 Genomes Project 0.05671; TOPMed 0.09636; gnomAD 0.10158 and 0.10366; ESP Exome Variant Server 0.10841; gnomAD exomes 0.10877; ExAC 0.11074.
gnomAD v4.1: 203,009 of 1,609,856 alleles (13%); highest among the groups gnomAD compares: Middle Eastern, 22%; 14,151 homozygotes.

Submissions (5):

Labcorp Genetics (formerly Invitae), Labcorp
Classification: Benign. Last evaluated: 2026-02-04. Review status: criteria provided, single submitter. Criteria: Invitae Variant Classification Sherloc (09022015). Collection method: clinical testing. Allele origin: germline.

Blueprint Genetics
Classification: Likely benign. Last evaluated: 2024-11-27. Review status: criteria provided, single submitter. Criteria: ACMG Guidelines, 2015. Collection method: clinical testing. Allele origin: germline.

Unidad de Genómica Garrahan, Hospital de Pediatría Garrahan
Classification: Benign. Last evaluated: 2024-01-24. Review status: criteria provided, single submitter. Criteria: ACMG Guidelines, 2015. Collection method: clinical testing. Allele origin: germline. Affected: no. Observed: 22 variant alleles.
Comment: This variant is classified as Benign based on local population frequency. This variant was detected in 23% of patients studied by a panel of primary immunodeficiencies. Number of patients: 22. Only high quality variants are reported.

Mayo Clinic Laboratories, Mayo Clinic
Classification: Benign. Last evaluated: 2023-08-11. Review status: criteria provided, single submitter. Criteria: ACMG Guidelines, 2015. Collection method: clinical testing. Allele origin: germline. Observed: 111 variant alleles.
Comment: BA1, BS2, BP4

Genome-Nilou Lab
Classification: Benign for Singleton-Merten syndrome 2. Last evaluated: 2021-07-30. Review status: criteria provided, single submitter. Criteria: ACMG Guidelines, 2015. Collection method: clinical testing. Allele origin: germline. Affected: no.

Literature cited by the submitters: PubMed 19859543 (cited by Mayo Clinic Laboratories, Mayo Clinic); PubMed 36228008 (cited by Mayo Clinic Laboratories, Mayo Clinic).

NM_014314.4(RIGI):c.1740T>A (p.Asp580Glu)

Gene: RIGI (RNA sensor RIG-I; minus strand). Cytogenetic location: 9p21.1.
Variant type: single nucleotide variant.
Coding change: c.1740T>A on transcript NM_014314.4 (MANE Select); coding-DNA position 1740, T replaced by A.
Protein change: p.Asp580Glu; replaces aspartic acid 580 with glutamic acid.
Molecular consequence: missense variant.
Genome position (GRCh38, 1-based): chr9:32,480,253, A>T on the plus strand (T>A on the coding strand, the complement: RIGI is on the minus strand). VCF-style: chr9-32480253-A-T. GRCh37 (hg19) VCF-style: chr9-32480251-A-T.
Other names: p.Asp580Glu; c.1734T>A, p.Asp578Glu (NM_001385907.1); c.1740T>A, p.Asp580Glu (NM_001385909.1); c.1299T>A, p.Asp433Glu (NM_001385910.1); c.1131T>A, p.Asp377Glu (NM_001385912.1); c.1725T>A, p.Asp575Glu (NM_001385913.1); c.1296T>A, p.Asp432Glu (NM_001385914.1); short protein forms D377E, D432E, D433E, D575E, D578E, D580E.
Identifiers: ClinVar variation 1168118 (VCV001168118.15), dbSNP rs17217280, ClinGen allele CA5019706.